The following is an entry in ClinVar:

NM_006514.4(SCN10A):c.4512G>C (p.Lys1504Asn)

Gene: SCN10A (sodium voltage-gated channel alpha subunit 10; minus strand). Cytogenetic location: 3p22.2.
Variant type: single nucleotide variant.
Coding change: c.4512G>C on transcript NM_006514.4 (MANE Select); coding-DNA position 4512, G replaced by C.
Protein change: p.Lys1504Asn; replaces lysine 1504 with asparagine.
Molecular consequence: missense variant.
Genome position (GRCh38, 1-based): chr3:38,701,984, C>G on the plus strand (G>C on the coding strand, the complement: SCN10A is on the minus strand). VCF-style: chr3-38701984-C-G. GRCh37 (hg19) VCF-style: chr3-38743475-C-G.
Other names: c.4509G>C, p.Lys1503Asn (NM_001293306.2); c.4218G>C, p.Lys1406Asn (NM_001293307.2); short protein forms K1503N, K1504N, K1406N.
Identifiers: ClinVar variation 1741140 (VCV001741140.2), dbSNP rs2470565183, ClinGen allele CA352146406.
Genomic context (GRCh38, chr3:38,701,984, plus strand): 5'-GACACATTCGCCTGTGAAGACGGCCACAAAGAACTGGTTGATTTTGCCCAGAATTTTCGT[C>G]TTTTCTTCACTTTGGTCATCAGTCTCCACCATCATGGTGATCATGTTGAGGCAGATGAGG-3'
Protein context (NP_006505.4, residues 1494-1514): MVETDDQSEE[Lys1504Asn]TKILGKINQF

ClinVar aggregate classification (germline): Uncertain significance (1 of 4 stars; one submission).

Conditions:
Cardiovascular phenotype. Identifiers: MedGen CN230736.

Allele frequency attached by ClinVar (database versions not stated): gnomAD exomes below 0.00001.
gnomAD v4.1: 2 of 1,614,172 alleles (0.00012%); highest among the groups gnomAD compares: South Asian, 0.0022%; no homozygotes.

Submission:

Ambry Genetics
Classification: Uncertain significance for Cardiovascular phenotype. Last evaluated: 2022-08-22. Review status: criteria provided, single submitter. Criteria: Ambry Variant Classification Scheme 2023. Collection method: clinical testing. Allele origin: germline.
Comment: The p.K1504N variant (also known as c.4512G>C), located in coding exon 26 of the SCN10A gene, results from a G to C substitution at nucleotide position 4512. The lysine at codon 1504 is replaced by asparagine, an amino acid with similar properties. This amino acid position is conserved. In addition, the in silico prediction for this alteration is inconclusive. Since supporting evidence is limited at this time, the clinical significance of this alteration remains unclear.